The following is an entry in ClinVar:

NM_001148.6(ANK2):c.10291G>C (p.Gly3431Arg)

Gene: ANK2 (ankyrin 2; plus strand). Cytogenetic location: 4q26.
Variant type: single nucleotide variant.
Coding change: c.10291G>C on transcript NM_001148.6 (MANE Select); coding-DNA position 10291, G replaced by C.
Protein change: p.Gly3431Arg; replaces glycine 3431 with arginine.
Molecular consequence: missense variant. On other transcripts: intron variant (68).
Genome position (GRCh38, 1-based): chr4:113,358,909, G>C. VCF-style: chr4-113358909-G-C. GRCh37 (hg19) VCF-style: chr4-114280065-G-C.
Other names: c.4361-1914G>C (NM_001386161.1, NM_001354244.2, NM_001354256.2); c.4286-1914G>C (NM_001354261.2); c.4166-1914G>C (NM_001386156.1, NM_001354257.2); c.4262-1914G>C (NM_001354264.2); c.4241-1914G>C (NM_001354267.2, NM_001386162.1, NM_001354249.2 and 2 more transcripts); c.4142-1914G>C (NM_001354271.2, NM_001386151.1, NM_001354260.2); c.3944-1914G>C (NM_001386158.1); c.4472-1914G>C (NM_001354241.2, NM_001386144.1, NM_001354240.2); and 35 more; short protein forms G3431R, G2231R, G3478R, G3353R, G3470R.
Identifiers: ClinVar variation 4096479 (VCV004096479.1).

ClinVar aggregate classification (germline): Uncertain significance (1 of 4 stars; one submission).

Conditions:
Cardiovascular phenotype. Identifiers: MedGen CN230736.

Submission:

Ambry Genetics
Classification: Uncertain significance for Cardiovascular phenotype. Last evaluated: 2025-06-23. Review status: criteria provided, single submitter. Criteria: Ambry Variant Classification Scheme 2023. Collection method: clinical testing. Allele origin: germline.
Comment: The p.G3431R variant (also known as c.10291G>C), located in coding exon 38 of the ANK2 gene, results from a G to C substitution at nucleotide position 10291. The glycine at codon 3431 is replaced by arginine, an amino acid with dissimilar properties. This amino acid position is conserved. In addition, the in silico prediction for this alteration is inconclusive. Based on the available evidence, the clinical significance of this variant remains unclear.